The following is an entry in ClinVar:

ClinVar aggregate classification (germline): Likely benign. Review status: criteria provided, multiple submitters, no conflicts (2 of 4 stars). 2 submissions from 2 submitters: Likely benign (2). Last evaluated 2026-01-16.

Conditions:
Nemaline myopathy 9 (NEM9). Identifiers: MedGen C3810384, MONDO:0014326, OMIM 615731.

Allele frequency attached by ClinVar (database versions not stated): gnomAD exomes 0.00009 and 0.00022; ExAC 0.00022; 1000 Genomes Project 30x 0.00031; 1000 Genomes Project 0.00040; gnomAD 0.00076 and 0.00078; ESP Exome Variant Server 0.00085; TOPMed 0.00102.
gnomAD v4.1: 245 of 1,614,066 alleles (0.015%); highest among the groups gnomAD compares: African/African-American, 0.29%; no homozygotes.

Submissions (2):

Labcorp Genetics (formerly Invitae), Labcorp
Classification: Likely benign for Nemaline myopathy 9. Last evaluated: 2026-01-16. Review status: criteria provided, single submitter. Criteria: Invitae Variant Classification Sherloc (09022015). Collection method: clinical testing. Allele origin: germline.

GeneDx
Classification: Likely benign. Last evaluated: 2019-12-12. Review status: criteria provided, single submitter. Criteria: GeneDx Variant Classification Process June 2021. Collection method: clinical testing. Allele origin: germline. Affected: yes.
Comment: In silico analysis, which includes protein predictors and evolutionary conservation, supports that this variant does not alter protein structure/function; Has not been previously published as pathogenic or benign to our knowledge

NM_006063.3(KLHL41):c.913C>T (p.Leu305Phe)

Gene: KLHL41 (kelch like family member 41; plus strand). Cytogenetic location: 2q31.1.
Variant type: single nucleotide variant.
Coding change: c.913C>T on transcript NM_006063.3 (MANE Select); coding-DNA position 913, C replaced by T.
Protein change: p.Leu305Phe; replaces leucine 305 with phenylalanine.
Molecular consequence: missense variant.
Genome position (GRCh38, 1-based): chr2:169,510,691, C>T. VCF-style: chr2-169510691-C-T. GRCh37 (hg19) VCF-style: chr2-170367201-C-T.
Other names: short protein forms L305F.
Identifiers: ClinVar variation 541709 (VCV000541709.14), dbSNP rs149971244, ClinGen allele CA1956577.